The following is an entry in ClinVar:

NM_000218.3(KCNQ1):c.1228C>G (p.Pro410Ala)

Gene: KCNQ1 (potassium voltage-gated channel subfamily Q member 1; plus strand). Cytogenetic location: 11p15.5.
Variant type: single nucleotide variant.
Coding change: c.1228C>G on transcript NM_000218.3 (MANE Select); coding-DNA position 1228, C replaced by G.
Protein change: p.Pro410Ala; replaces proline 410 with alanine.
Molecular consequence: missense variant.
Genome position (GRCh38, 1-based): chr11:2,587,669, C>G. VCF-style: chr11-2587669-C-G. GRCh37 (hg19) VCF-style: chr11-2608899-C-G.
Other names: c.1132C>G, p.Pro378Ala (NM_001406836.1); c.958C>G, p.Pro320Ala (NM_001406837.1); c.688C>G, p.Pro230Ala (NM_001406838.1); c.847C>G, p.Pro283Ala (NM_181798.2); short protein forms P283A, P320A, P378A, P230A, P410A.
Identifiers: ClinVar variation 3532640 (VCV003532640.1).

ClinVar aggregate classification (germline): Uncertain significance (1 of 4 stars; one submission).

Conditions:
Cardiovascular phenotype. Identifiers: MedGen CN230736.

Submission:

Ambry Genetics
Classification: Uncertain significance for Cardiovascular phenotype. Last evaluated: 2024-10-18. Review status: criteria provided, single submitter. Criteria: Ambry Variant Classification Scheme 2023. Collection method: clinical testing. Allele origin: germline.
Comment: The p.P410A variant (also known as c.1228C>G), located in coding exon 9 of the KCNQ1 gene, results from a C to G substitution at nucleotide position 1228. The proline at codon 410 is replaced by alanine, an amino acid with highly similar properties. This amino acid position is highly conserved in available vertebrate species. In addition, the in silico prediction for this alteration is inconclusive. Based on the available evidence, the clinical significance of this variant remains unclear.